The following is an entry in ClinVar:

ClinVar aggregate classification (germline): Likely benign (1 of 4 stars; one submission).

gnomAD v4.1: 26 of 1,614,100 alleles (0.0016%); highest among the groups gnomAD compares: Middle Eastern, 0.033%; no homozygotes.

Submission:

CeGaT Center for Human Genetics Tuebingen
Classification: Likely benign. Last evaluated: 2024-09-01. Review status: criteria provided, single submitter. Criteria: CeGaT Center For Human Genetics Tuebingen Variant Classification Criteria Version 2. Collection method: clinical testing. Allele origin: germline. Affected: yes. Observed: 1 variant allele.
Comment: SHMT2: BP4, BP7

NM_005412.6(SHMT2):c.348G>A (p.Glu116=)

Gene: SHMT2 (serine hydroxymethyltransferase 2; plus strand). Cytogenetic location: 12q13.3.
Variant type: single nucleotide variant.
Coding change: c.348G>A on transcript NM_005412.6 (MANE Select); coding-DNA position 348, G replaced by A.
Protein change: p.Glu116=; no amino-acid change (glutamic acid 116 retained).
Molecular consequence: synonymous variant. On other transcripts: non-coding transcript variant (4).
Genome position (GRCh38, 1-based): chr12:57,231,749, G>A. VCF-style: chr12-57231749-G-A. GRCh37 (hg19) VCF-style: chr12-57625532-G-A.
Other names: c.348G>A, p.Glu116= (NM_001166356.2); c.285G>A, p.Glu95= (NM_001166357.1, NM_001166358.2, NM_001166359.1).
Identifiers: ClinVar variation 3341595 (VCV003341595.16).